The following is an entry in ClinVar:

NM_000078.3(CETP):c.439+11A>C

Gene: CETP (cholesteryl ester transfer protein; plus strand). Cytogenetic location: 16q13.
Variant type: single nucleotide variant.
Coding change: c.439+11A>C on transcript NM_000078.3 (MANE Select); 11 bases into the intron after coding-DNA position 439, A replaced by C.
Molecular consequence: intron variant.
Genome position (GRCh38, 1-based): chr16:56,969,692, A>C. VCF-style: chr16-56969692-A-C. GRCh37 (hg19) VCF-style: chr16-57003604-A-C.
Other names: c.439+11A>C (NM_001286085.2).
Identifiers: ClinVar variation 319977 (VCV000319977.13), dbSNP rs200855412, ClinGen allele CA8070908.

ClinVar aggregate classification (germline): Benign. Review status: criteria provided, multiple submitters, no conflicts (2 of 4 stars). 3 submissions from 3 submitters: Benign (3). Last evaluated 2026-01-13.

Conditions:
Hyperalphalipoproteinemia 1 (HALP1). Also called: CETP-Related Hyperalphalipoproteinemia; CETP DEFICIENCY. Identifiers: MedGen C3149462, OMIM 143470.

Allele frequency attached by ClinVar (database versions not stated): gnomAD 0.00002 and 0.00039; TOPMed 0.00005; gnomAD exomes 0.00173; ExAC 0.00212; 1000 Genomes Project 30x 0.00281; 1000 Genomes Project 0.00339.
gnomAD v4.1: 1,280 of 1,613,582 alleles (0.079%); highest among the groups gnomAD compares: South Asian, 1.3%; 14 homozygotes.

Submissions (3):

Labcorp Genetics (formerly Invitae), Labcorp
Classification: Benign. Last evaluated: 2026-01-13. Review status: criteria provided, single submitter. Criteria: Invitae Variant Classification Sherloc (09022015). Collection method: clinical testing. Allele origin: germline.

Illumina Laboratory Services, Illumina
Classification: Benign for Hyperalphalipoproteinemia 1. Last evaluated: 2018-01-13. Review status: criteria provided, single submitter. Criteria: ICSL Variant Classification Criteria 13 December 2019. Collection method: clinical testing. Allele origin: germline.
Comment: This variant was observed in the ICSL laboratory as part of a predisposition screen in an ostensibly healthy population. It had not been previously curated by ICSL or reported in the Human Gene Mutation Database (HGMD: prior to June 1st, 2018), and was therefore a candidate for classification through an automated scoring system. Utilizing variant allele frequency, disease prevalence and penetrance estimates, and inheritance mode, an automated score was calculated to assess if this variant is too frequent to cause the disease. Based on the score and internal cut-off values, a variant classified as benign is not then subjected to further curation. The score for this variant resulted in a classification of benign for this disease.

Breakthrough Genomics
Classification: Benign. Review status: criteria provided, single submitter. Criteria: ACMG Guidelines, 2015. Collection method: not provided. Allele origin: germline. Inheritance: Autosomal dominant inheritance. Affected: yes.